The following is an entry in ClinVar:

NM_052844.4(DYNC2I2):c.716G>T (p.Ser239Ile)

Genes: DYNC2I2 (dynein 2 intermediate chain 2; minus strand), LOC126860772 (CDK7 strongly-dependent group 2 enhancer GRCh37_chr9:131396972-131398171; plus strand). Cytogenetic location: 9q34.11.
Variant type: single nucleotide variant.
Coding change: c.716G>T on transcript NM_052844.4 (MANE Select); coding-DNA position 716, G replaced by T.
Protein change: p.Ser239Ile; replaces serine 239 with isoleucine.
Molecular consequence: missense variant.
Genome position (GRCh38, 1-based): chr9:128,635,755, C>A on the plus strand (G>T on the coding strand, the complement: DYNC2I2 is on the minus strand). VCF-style: chr9-128635755-C-A. GRCh37 (hg19) VCF-style: chr9-131398034-C-A.
Other names: short protein forms S239I.
Identifiers: ClinVar variation 2143872 (VCV002143872.4), dbSNP rs752243632, ClinGen allele CA5266492.

ClinVar aggregate classification (germline): Uncertain significance (1 of 4 stars; one submission).

Conditions:
Short-rib thoracic dysplasia 11 with or without polydactyly (SRTD11). Also called: SHORT-RIB THORACIC DYSPLASIA 11 WITHOUT POLYDACTYLY. Identifiers: Orphanet 474, Orphanet 93271, MedGen C3810200, MONDO:0014287, OMIM 615633.

Allele frequency attached by ClinVar (database versions not stated): gnomAD exomes 0.00001; ExAC 0.00003; TOPMed 0.00003; gnomAD 0.00004.
gnomAD v4.1: 27 of 1,612,574 alleles (0.0017%); highest among the groups gnomAD compares: Middle Eastern, 0.017%; no homozygotes.

Submission:

Labcorp Genetics (formerly Invitae), Labcorp
Classification: Uncertain significance for Short-rib thoracic dysplasia 11 with or without polydactyly. Last evaluated: 2024-03-11. Review status: criteria provided, single submitter. Criteria: Invitae Variant Classification Sherloc (09022015). Collection method: clinical testing. Allele origin: germline.
Comment: This sequence change replaces serine, which is neutral and polar, with isoleucine, which is neutral and non-polar, at codon 239 of the WDR34 protein (p.Ser239Ile). This variant is present in population databases (rs752243632, gnomAD 0.006%). This variant has not been reported in the literature in individuals affected with WDR34-related conditions. ClinVar contains an entry for this variant (Variation ID: 2143872). An algorithm developed to predict the effect of missense changes on protein structure and function (PolyPhen-2) suggests that this variant is likely to be tolerated. In summary, the available evidence is currently insufficient to determine the role of this variant in disease. Therefore, it has been classified as a Variant of Uncertain Significance.